The following is an entry in ClinVar:

NC_000011.9:g.(?_64517828)_(64523631_?)dup

Gene: PYGM (glycogen phosphorylase, muscle associated; minus strand). Cytogenetic location: 11q13.1.
Variant type: Duplication.
Identifiers: ClinVar variation 3244537 (VCV003244537.1).

ClinVar aggregate classification (germline): Likely pathogenic (1 of 4 stars; one submission).

Conditions:
Glycogen storage disease, type V (GSD5). Also called: MCARDLE DISEASE; PYGM DEFICIENCY; McArdle type glycogen storage disease; MUSCLE GLYCOGEN PHOSPHORYLASE DEFICIENCY; MYOPHOSPHORYLASE DEFICIENCY. Identifiers: Orphanet 368, MedGen C0017924, MONDO:0009293, OMIM 232600.

Submission:

Labcorp Genetics (formerly Invitae), Labcorp
Classification: Likely pathogenic for Glycogen storage disease, type V. Last evaluated: 2023-06-28. Review status: criteria provided, single submitter. Criteria: Invitae Variant Classification Sherloc (09022015). Collection method: clinical testing. Allele origin: unknown.
Comment: In summary, the currently available evidence indicates that the variant is pathogenic, but additional data are needed to prove that conclusively. Therefore, this variant has been classified as Likely Pathogenic. This variant has not been reported in the literature in individuals affected with PYGM-related conditions. This variant results in a copy number gain of the genomic region encompassing exon(s) 6-17 of the PYGM gene. While the exact position of this variant cannot be determined from the data, sub-genic copy number gains are generally in tandem (PMID: 25640679). This variant is predicted to be out-of-frame, and may result in an absent or disrupted protein product. Loss-of-function variants in PYGM are known to be pathogenic (PMID: 8316268, 16786513).

Literature cited by the submitters: PubMed 25640679; PubMed 8316268; PubMed 16786513.